The following is an entry in ClinVar:

NM_001323532.2(PARP6):c.1789G>T (p.Val597Leu)

Gene: PARP6 (poly(ADP-ribose) polymerase family member 6; minus strand). Cytogenetic location: 15q23.
Variant type: single nucleotide variant.
Coding change: c.1789G>T on transcript NM_001323532.2 (MANE Select); coding-DNA position 1789, G replaced by T.
Protein change: p.Val597Leu; replaces valine 597 with leucine.
Molecular consequence: missense variant. On other transcripts: non-coding transcript variant (12).
Genome position (GRCh38, 1-based): chr15:72,241,902, C>A on the plus strand (G>T on the coding strand, the complement: PARP6 is on the minus strand). VCF-style: chr15-72241902-C-A. GRCh37 (hg19) VCF-style: chr15-72534243-C-A.
Other names: c.1732G>T, p.Val578Leu (NM_001323515.2, NM_001323516.2, NM_001323530.2); c.1729G>T, p.Val577Leu (NM_001323519.2, NM_001323521.2, NM_001323523.2 and 2 more transcripts); c.1789G>T, p.Val597Leu (NM_001323522.2, NM_020214.4); c.1792G>T, p.Val598Leu (NM_001323525.2, NM_001323528.2, NM_001323531.2); short protein forms V577L, V578L, V598L, V597L.
Identifiers: ClinVar variation 4991626 (VCV004991626.1).

ClinVar aggregate classification (germline): Uncertain significance (1 of 4 stars; one submission).

Conditions:
PARP6-related condition.

Submission:

PreventionGenetics, part of Exact Sciences
Classification: Uncertain significance for PARP6-related condition. Last evaluated: 2026-04-10. Review status: criteria provided, single submitter. Criteria: ACMG Guidelines, 2015. Collection method: clinical testing. Allele origin: germline.
Comment: The PARP6 c.1792G>T variant is predicted to result in the amino acid substitution p.Val598Leu. To our knowledge, this variant has not been reported in the literature. This variant is reported in 0.00088% of alleles in individuals of European (Non-Finnish) descent in gnomAD v2. However, this variant is absent from gnomAD v4 (available only on GRCh38). At this time, the clinical significance of this variant is uncertain due to the absence of conclusive functional and genetic evidence.